The following is an entry in ClinVar:

ClinVar aggregate classification (germline): Likely benign. Review status: criteria provided, single submitter (1 of 4 stars). 2 submissions from 2 submitters: Likely benign (1). 1 of the submissions does not count toward it. Last evaluated 2025-10-21.

Conditions:
Muscular dystrophy-dystroglycanopathy (congenital with brain and eye anomalies), type a, 12 (MDDGA12). Also called: WALKER-WARBURG SYNDROME OR MUSCLE-EYE-BRAIN DISEASE, POMK-RELATED. Identifiers: Orphanet 899, MedGen C3808964, MONDO:0014101, OMIM 615249.
Limb-girdle muscular dystrophy due to POMK deficiency. Also called: MUSCULAR DYSTROPHY-DYSTROGLYCANOPATHY, LIMB-GIRDLE, POMK-RELATED; Muscular dystrophy-dystroglycanopathy (limb-girdle), type c, 12. Identifiers: Orphanet 445110, MedGen C4015184, MONDO:0014489, OMIM 616094.
POMK-related disorder. Also called: POMK-related condition.

Allele frequency attached by ClinVar (database versions not stated): TOPMed 0.00002; gnomAD 0.00001.
gnomAD v4.1: 2 of 1,614,042 alleles (0.00012%); highest among the groups gnomAD compares: African/African-American, 0.0027%; no homozygotes.

Submissions (2):

Labcorp Genetics (formerly Invitae), Labcorp
Classification: Likely benign for Muscular dystrophy-dystroglycanopathy (congenital with brain and eye anomalies), type a, 12; Limb-girdle muscular dystrophy due to POMK deficiency. Last evaluated: 2025-10-21. Review status: criteria provided, single submitter. Criteria: Invitae Variant Classification Sherloc (09022015). Collection method: clinical testing. Allele origin: germline.

PreventionGenetics, part of Exact Sciences
Classification: Likely benign for POMK-related condition. Last evaluated: 2019-05-24. Review status: no assertion criteria provided. Collection method: clinical testing. Allele origin: germline. Not counted in ClinVar's aggregate classification.
Comment: This variant is classified as likely benign based on ACMG/AMP sequence variant interpretation guidelines (Richards et al. 2015 PMID: 25741868, with internal and published modifications).

NM_032237.5(POMK):c.633A>C (p.Thr211=)

Gene: POMK (protein O-mannose kinase; plus strand). Cytogenetic location: 8p11.21.
Variant type: single nucleotide variant.
Coding change: c.633A>C on transcript NM_032237.5 (MANE Select); coding-DNA position 633, A replaced by C.
Protein change: p.Thr211=; no amino-acid change (threonine 211 retained).
Molecular consequence: synonymous variant.
Genome position (GRCh38, 1-based): chr8:43,122,457, A>C. VCF-style: chr8-43122457-A-C. GRCh37 (hg19) VCF-style: chr8-42977600-A-C.
Other names: c.633A>C, p.Thr211= (NM_001277971.2); c.633A>C (NM_032237.4).
Identifiers: ClinVar variation 1131798 (VCV001131798.9), dbSNP rs1011002628, ClinGen allele CA176080176.